The following is an entry in ClinVar:

NM_001035.3(RYR2):c.3580G>C (p.Asp1194His)

Gene: RYR2 (ryanodine receptor 2; plus strand). Cytogenetic location: 1q43.
Variant type: single nucleotide variant.
Coding change: c.3580G>C on transcript NM_001035.3 (MANE Select); coding-DNA position 3580, G replaced by C.
Protein change: p.Asp1194His; replaces aspartic acid 1194 with histidine.
Molecular consequence: missense variant.
Genome position (GRCh38, 1-based): chr1:237,569,301, G>C. VCF-style: chr1-237569301-G-C. GRCh37 (hg19) VCF-style: chr1-237732601-G-C.
Other names: short protein forms D1194H.
Identifiers: ClinVar variation 921762 (VCV000921762.5), dbSNP rs1672413566, ClinGen allele CA345390821.
Genomic context (GRCh38, chr1:237,569,301, plus strand): 5'-ATGTTCACACTGAATGGTGAAATCCTTCTTGATGATTCAGGCTCAGAACTGGCTTTCAAG[G>C]ACTTTGATGTTGGCGATGGTAAGTCTACTATGTTTTGTGTTTTTTTTAAGTTTGCAGCAC-3'
Protein context (NP_001026.2, residues 1184-1204): DDSGSELAFK[Asp1194His]FDVGDGFIPV

ClinVar aggregate classification (germline): Uncertain significance (1 of 4 stars; one submission).

Conditions:
Cardiomyopathy (CMYO). Also called: Cardiomyopathies. Identifiers: Orphanet 167848, MedGen C0878544, MONDO:0004994, HP:0001638. Inheritance: Various modes of inheritance.

Allele frequency attached by ClinVar (database versions not stated): gnomAD exomes 0.00001.
gnomAD v4.1: 7 of 1,613,792 alleles (0.00043%); highest among the groups gnomAD compares: South Asian, 0.0077%; no homozygotes.

Submission:

Color Diagnostics, LLC DBA Color Health
Classification: Uncertain significance for Cardiomyopathy. Last evaluated: 2023-12-05. Review status: criteria provided, single submitter. Criteria: ACMG Guidelines, 2015. Collection method: clinical testing. Allele origin: germline.
Comment: Variant of Uncertain Significance due to insufficient evidence: This missense variant is located in the cytoplasmic SPRY domain 2 of the RYR2 protein. Computational prediction tools and conservation analyses suggest that this variant may have deleterious impact on the protein function. Computational splicing tools suggest that this variant may not impact RNA splicing. To our knowledge, functional assays have not been performed for this variant nor has this variant been reported in individuals affected with cardiovascular disorders in the literature. This variant is rare in the general population and has been identified in 0/277264 chromosomes by the Genome Aggregation Database (gnomAD). Available evidence is insufficient to determine the pathogenicity of this variant conclusively.